The following is an entry in ClinVar:

NM_000388.4(CASR):c.3052T>C (p.Cys1018Arg)

Gene: CASR (calcium sensing receptor; plus strand). Cytogenetic location: 3q21.1.
Variant type: single nucleotide variant.
Coding change: c.3052T>C on transcript NM_000388.4 (MANE Select); coding-DNA position 3052, T replaced by C.
Protein change: p.Cys1018Arg; replaces cysteine 1018 with arginine.
Molecular consequence: missense variant.
Genome position (GRCh38, 1-based): chr3:122,285,006, T>C. VCF-style: chr3-122285006-T-C. GRCh37 (hg19) VCF-style: chr3-122003853-T-C.
Other names: c.3082T>C, p.Cys1028Arg (NM_001178065.2); short protein forms C1028R, C1018R.
Identifiers: ClinVar variation 1799281 (VCV001799281.7), dbSNP rs2473283501, ClinGen allele CA354161336.

ClinVar aggregate classification (germline): Uncertain significance. Review status: criteria provided, multiple submitters, no conflicts (2 of 4 stars). 2 submissions from 2 submitters: Uncertain significance (2). Last evaluated 2025-03-12.

Conditions:
Familial hypocalciuric hypercalcemia (FHH). Also called: Familial benign hypercalcemia. Identifiers: Orphanet 405, MedGen C1809471, MONDO:0018458.
Autosomal dominant hypocalcemia 1 (HYPOC1). Also called: HYPOCALCEMIA, FAMILIAL. Identifiers: MedGen C3715128, MONDO:0011013, OMIM 601198.
Nephrolithiasis/nephrocalcinosis. Identifiers: MedGen CN580796.

Allele frequency attached by ClinVar (database versions not stated): gnomAD exomes below 0.00001.
gnomAD v4.1: 2 of 1,614,088 alleles (0.00012%); highest among the groups gnomAD compares: Admixed American, 0.0033%; no homozygotes.

Submissions (2):

Labcorp Genetics (formerly Invitae), Labcorp
Classification: Uncertain significance for Familial hypocalciuric hypercalcemia; Autosomal dominant hypocalcemia 1. Last evaluated: 2025-03-12. Review status: criteria provided, single submitter. Criteria: Invitae Variant Classification Sherloc (09022015). Collection method: clinical testing. Allele origin: germline.
Comment: This sequence change replaces cysteine, which is neutral and slightly polar, with arginine, which is basic and polar, at codon 1018 of the CASR protein (p.Cys1018Arg). This variant is not present in population databases (gnomAD no frequency). This variant has not been reported in the literature in individuals affected with CASR-related conditions. ClinVar contains an entry for this variant (Variation ID: 1799281). An algorithm developed to predict the effect of missense changes on protein structure and function outputs the following: PolyPhen-2: "Benign". The arginine amino acid residue is found in multiple mammalian species, which suggests that this missense change does not adversely affect protein function. In summary, the available evidence is currently insufficient to determine the role of this variant in disease. Therefore, it has been classified as a Variant of Uncertain Significance.

Ambry Genetics
Classification: Uncertain significance for Nephrolithiasis/nephrocalcinosis. Last evaluated: 2021-10-25. Review status: criteria provided, single submitter. Criteria: Ambry Variant Classification Scheme 2023. Collection method: clinical testing. Allele origin: germline.
Comment: The p.C1018R variant (also known as c.3052T>C), located in coding exon 6 of the CASR gene, results from a T to C substitution at nucleotide position 3052. The cysteine at codon 1018 is replaced by arginine, an amino acid with highly dissimilar properties. This amino acid position is conserved. In addition, this alteration is predicted to be tolerated by in silico analysis. Since supporting evidence is limited at this time, the clinical significance of this alteration remains unclear.